The following is an entry in ClinVar:

NM_000051.4(ATM):c.4258C>G (p.Leu1420Val)

Gene: ATM (ATM serine/threonine kinase; plus strand). Cytogenetic location: 11q22.3.
Variant type: single nucleotide variant.
Coding change: c.4258C>G on transcript NM_000051.4 (MANE Select); coding-DNA position 4258, C replaced by G.
Protein change: p.Leu1420Val; replaces leucine 1420 with valine.
Molecular consequence: missense variant.
Genome position (GRCh38, 1-based): chr11:108,289,623, C>G. VCF-style: chr11-108289623-C-G. GRCh37 (hg19) VCF-style: chr11-108160350-C-G.
Other names: c.4258C>G, p.Leu1420Val (NM_001351834.2); short protein forms L1420V.
Identifiers: ClinVar variation 2818554 (VCV002818554.3), dbSNP rs1800058, ClinGen allele CA382531126.

ClinVar aggregate classification (germline): Uncertain significance (1 of 4 stars; one submission).

Conditions:
Ataxia-telangiectasia syndrome (AT). Also called: ATAXIA-TELANGIECTASIA, COMPLEMENTATION GROUP A; Ataxia telangiectasia (A-T); Cerebello-oculocutaneous telangiectasia; Immunodeficiency with ataxia telangiectasia; LOUIS-BAR SYNDROME; ATAXIA-TELANGIECTASIA, FRESNO VARIANT. Identifiers: Orphanet 100, MedGen C0004135, MONDO:0008840, OMIM 208900.

Submission:

Labcorp Genetics (formerly Invitae), Labcorp
Classification: Uncertain significance for Ataxia-telangiectasia syndrome. Last evaluated: 2022-12-04. Review status: criteria provided, single submitter. Criteria: Invitae Variant Classification Sherloc (09022015). Collection method: clinical testing. Allele origin: germline.
Comment: This variant is not present in population databases (gnomAD no frequency). This sequence change replaces leucine, which is neutral and non-polar, with valine, which is neutral and non-polar, at codon 1420 of the ATM protein (p.Leu1420Val). This variant has not been reported in the literature in individuals affected with ATM-related conditions. In summary, the available evidence is currently insufficient to determine the role of this variant in disease. Therefore, it has been classified as a Variant of Uncertain Significance. Algorithms developed to predict the effect of missense changes on protein structure and function (SIFT, PolyPhen-2, Align-GVGD) all suggest that this variant is likely to be tolerated.